The following continues an entry in ClinVar:

NM_000018.4(ACADVL):c.865G>A (p.Gly289Arg)

Gene: ACADVL. ClinVar aggregate classification (germline): Likely pathogenic. Likely pathogenic (1).

Submissions 11 to 17 of 17:

Women's Health and Genetics/Laboratory Corporation of America, LabCorp
Classification: Pathogenic for Very long chain acyl-CoA dehydrogenase deficiency. Last evaluated: 2023-03-12. Review status: criteria provided, single submitter. Criteria: LabCorp Variant Classification Summary - May 2015. Collection method: clinical testing. Allele origin: germline. Not counted in ClinVar's aggregate classification.
Comment: Variant summary: ACADVL c.865G>A (p.Gly289Arg) results in a non-conservative amino acid change located in the Acyl-CoA oxidase/dehydrogenase, middle domain (IPR006091) of the encoded protein sequence. Five of five in-silico tools predict a damaging effect of the variant on protein function. The variant allele was found at a frequency of 0.00011 in 251232 control chromosomes. This frequency is not significantly higher than estimated for a pathogenic variant in ACADVL causing Very Long Chain Acyl-CoA Dehydrogenase Deficiency (0.00011 vs 0.0029), allowing no conclusion about variant significance. c.865G>A has been reported in the literature as a compound heterozygous genotype in multiple individuals affected with Very Long Chain Acyl-CoA Dehydrogenase Deficiency (example, PMID: 14517516, 27209629, 31031081, 30194637). These data indicate that the variant is very likely to be associated with disease. At least one publication reports experimental evidence evaluating an impact on protein function (example, PMID: 23480858). The most pronounced variant effect results in 15% of normal VLCAD activity in-vitro. Seven clinical diagnostic laboratories have submitted clinical-significance assessments for this variant to ClinVar after 2014 without evidence for independent evaluation. All laboratories classified the variant as pathogenic/likely pathogenic. Based on the evidence outlined above, the variant was classified as pathogenic.

Blueprint Genetics
Classification: Pathogenic for ACADVL-related disorders. Last evaluated: 2023-02-24. Review status: criteria provided, single submitter. Criteria: ACMG Guidelines, 2015. Collection method: clinical testing. Allele origin: germline. Affected: yes. Observed: 5 variant alleles. Not counted in ClinVar's aggregate classification.

ARUP Laboratories, Molecular Genetics and Genomics, ARUP Laboratories
Classification: Likely pathogenic for Very long chain acyl-CoA dehydrogenase deficiency. Last evaluated: 2019-11-03. Review status: criteria provided, single submitter. Criteria: ARUP Molecular Germline Variant Investigation Process. Collection method: clinical testing. Allele origin: germline. Not counted in ClinVar's aggregate classification.
Comment: The ACADVL c.865G>A; p.Gly289Arg variant (rs200788251), also known as p.Gly249Arg, is reported in the literature in the compound heterozygous state in individuals affected with very long-chain acyl-CoA dehydrogenase (VLCAD) deficiency (Evans 2016, Pena 2016, Schiff 2013, Spiekerkoetter 2003). This variant is also reported in ClinVar (Variation ID: 370981). It is found in the general population with an overall allele frequency of 0.01% (32/282608 alleles) in the Genome Aggregation Database. The glycine at codon 289 is highly conserved, and computational analyses (SIFT, PolyPhen-2) predict that this variant is deleterious. Furthermore, in vitro functional analyses demonstrate a significant reduction in protein activity compared to wildtype (Schiff 2013). Based on available information, this variant is considered to be likely pathogenic. REFERENCES Evans M et al. VLCAD deficiency: Follow-up and outcome of patients diagnosed through newborn screening in Victoria. Mol Genet Metab. 2016 Aug;118(4):282-7. Pena LD et al. Outcomes and genotype-phenotype correlations in 52 individuals with VLCAD deficiency diagnosed by NBS and enrolled in the IBEM-IS database. Mol Genet Metab. 2016 Aug;118(4):272-81. Schiff M et al. Molecular and cellular pathology of very-long-chain acyl-CoA dehydrogenase deficiency. Mol Genet Metab. 2013 109(1):21-7. Spiekerkoetter U et al. MS/MS-based newborn and family screening detects asymptomatic patients with very-long-chain acyl-CoA dehydrogenase deficiency. J Pediatr. 2003 143(3):335-42.

Wong Mito Lab, Molecular and Human Genetics, Baylor College of Medicine
Classification: Pathogenic for Very long chain acyl-CoA dehydrogenase deficiency. Last evaluated: 2019-11-01. Review status: criteria provided, single submitter. Criteria: ACMG Guidelines, 2015. Collection method: clinical testing. Allele origin: germline. Not counted in ClinVar's aggregate classification.
Comment: The NM_000018.3:c.865G>A (NP_000009.1:p.Gly289Arg) [GRCH38: NC_000017.11:g.7222289G>A] variant in ACADVL gene is interpretated to be Pathogenic based on ACMG guidelines (PMID: 25741868). This variant has been reported in PMID: 14517516; 27209629 . This variant meets the following evidence codes reported in the ACMG guidelines: PS1, PS3

Illumina Laboratory Services, Illumina
Classification: Pathogenic for Very long chain acyl-CoA dehydrogenase deficiency. Last evaluated: 2018-01-22. Review status: criteria provided, single submitter. Criteria: ICSL Variant Classification Criteria 09 May 2019. Collection method: clinical testing. Allele origin: germline. Not counted in ClinVar's aggregate classification.
Comment: Across a selection of the available literature, the ACADVL c.865G>A (p.Gly289Arg) variant has been reported in a compound heterozygous state in at least six individuals identified as having VLCAD deficiency through newborn screening (Spiekerkoetter et al. 2003; Schiff et al. 2013; Waisbren et al. 2013; Pena et al. 2016; Evans et al. 2016). Several of these individuals were described as asymptomatic, however, speech/language and motor delays, autistic spectrum behavior and relative weakness in the fine motor area were reported in two individuals after at least two years of follow-up (Waisbren et al. 2013). Analysis of 693 unrelated individuals with a positive newborn screening result for VLCAD deficiency, identified the p.Gly289Arg variant on six alleles from affected individuals (Miller et al. (2015). Control data are unavailable for this variant, which is reported at a frequency of 0.000349 in the European American population of the Exome Sequencing Project. Fibroblasts from one individual who was compound heterozygous for the p.Gly289Arg variant, exhibited no detectable enzyme activity and absent protein expression based on Western blot analysis. In vitro expression analyses in E. coli showed that the p.Gly289Arg variant displayed 15% of wildtype activity and reduced protein expression (Schiff et al. 2013). Based on the collective evidence, the p.Gly289Arg variant is classified as pathogenic for VLCAD deficiency. This variant was observed by ICSL as part of a predisposition screen in an ostensibly healthy population.

Juno Genomics, Hangzhou Juno Genomics, Inc
Classification: Likely pathogenic for Very long chain acyl-CoA dehydrogenase deficiency. Review status: criteria provided, single submitter. Criteria: ACMG Guidelines, 2015. Collection method: clinical testing. Allele origin: germline. Affected: yes. Not counted in ClinVar's aggregate classification.
Comment: Absent from controls (or at extremely low frequency if recessive) in Genome Aggregation Database.;For recessive disorders, detected in trans with a pathogenic variant.;Patient's phenotype or family history is highly specific for a disease with a single genetic etiology.;Well-established in vitro or in vivo functional studies supportive of a damaging effect on the gene or gene product.

Counsyl
Classification: Likely pathogenic for Very long chain acyl-CoA dehydrogenase deficiency. Last evaluated: 2016-05-27. Review status: no assertion criteria provided. Collection method: clinical testing. Allele origin: unknown. Not counted in ClinVar's aggregate classification.

Literature cited by the submitters: PubMed 14517516 (cited by 8 submitters); PubMed 23480858 (cited by 6 submitters); PubMed 27209629 (cited by 7 submitters); PubMed 27246109 (cited by 3 submitters); PubMed 31031081 (cited by 4 submitters); PubMed 32778825 (cited by Variantyx, Inc. and Dasa); PubMed 33123633 (cited by Natera, Inc. and Women's Health and Genetics/Laboratory Corporation of America, LabCorp); PubMed 35400565 (cited by Natera, Inc.); PubMed 23798014 (cited by 3 submitters); PubMed 22494076 (cited by Women's Health and Genetics/Laboratory Corporation of America, LabCorp); PubMed 30194637 (cited by Women's Health and Genetics/Laboratory Corporation of America, LabCorp); PubMed 32380161 (cited by Women's Health and Genetics/Laboratory Corporation of America, LabCorp); PubMed 26385305 (cited by Illumina Laboratory Services, Illumina and Counsyl).